The following is an entry in ClinVar:

ClinVar aggregate classification (germline): Uncertain significance (1 of 4 stars; one submission).

Conditions:
Capillary malformation-arteriovenous malformation syndrome. Also called: Capillary malformation-arteriovenous malformation. Identifiers: Orphanet 137667, MedGen C1842180, MONDO:0012016.

gnomAD v4.1: 5 of 1,611,158 alleles (0.00031%); highest among the groups gnomAD compares: African/African-American, 0.0013%; no homozygotes.

Submission:

Labcorp Genetics (formerly Invitae), Labcorp
Classification: Uncertain significance for Capillary malformation-arteriovenous malformation syndrome. Last evaluated: 2024-02-23. Review status: criteria provided, single submitter. Criteria: Invitae Variant Classification Sherloc (09022015). Collection method: clinical testing. Allele origin: germline.
Comment: This sequence change falls in intron 16 of the RASA1 gene. It does not directly change the encoded amino acid sequence of the RASA1 protein. It affects a nucleotide within the consensus splice site. This variant is not present in population databases (gnomAD no frequency). This variant has not been reported in the literature in individuals affected with RASA1-related conditions. Variants that disrupt the consensus splice site are a relatively common cause of aberrant splicing (PMID: 17576681, 9536098). Algorithms developed to predict the effect of sequence changes on RNA splicing suggest that this variant is not likely to affect RNA splicing. In summary, the available evidence is currently insufficient to determine the role of this variant in disease. Therefore, it has been classified as a Variant of Uncertain Significance.

Literature cited by the submitters: PubMed 17576681; PubMed 9536098.

NM_002890.3(RASA1):c.2184+5T>A

Genes: CCNH (cyclin H; minus strand), RASA1 (RAS p21 protein activator 1; plus strand). Cytogenetic location: 5q14.3.
Variant type: single nucleotide variant.
Coding change: c.2184+5T>A on transcript NM_002890.3 (MANE Select); 5 bases into the intron after coding-DNA position 2184, T replaced by A.
Molecular consequence: intron variant.
Genome position (GRCh38, 1-based): chr5:87,376,570, T>A. VCF-style: chr5-87376570-T-A. GRCh37 (hg19) VCF-style: chr5-86672387-T-A.
Other names: c.1653+5T>A (NM_022650.3); c.933+18474A>T (NM_001364075.2).
Identifiers: ClinVar variation 3681197 (VCV003681197.2).
Genomic context (GRCh38, chr5:87,376,570, plus strand): 5'-CACGATACTCTATGGAAAAAATCATGCCAGAAGAAGAGTACAGTGAATTTAAAGAGGTAT[T>A]AAATTATTTATCAGTCTTGTTTTTGTTGGAATTAACAGAAACATTTAACATTTAATAAAA-3'